The following is an entry in ClinVar:

ClinVar aggregate classification (germline): Conflicting classifications of pathogenicity. Review status: criteria provided, conflicting classifications (1 of 4 stars). 5 submissions from 5 submitters: Uncertain significance (3); Likely benign (1). 1 of the submissions does not count toward it. Last evaluated 2024-09-03.

Conditions:
Hereditary cancer-predisposing syndrome. Also called: Tumor predisposition; Hereditary neoplastic syndrome; Hereditary Cancer Syndrome; Neoplastic Syndromes, Hereditary. Identifiers: Orphanet 140162, MedGen C0027672, MeSH D009386, MONDO:0015356.
Fanconi anemia (FA). Also called: Fanconi's anemia. Identifiers: Orphanet 84, MedGen C0015625, MeSH D005199, MONDO:0019391.

Allele frequency attached by ClinVar (database versions not stated): gnomAD exomes below 0.00001; TOPMed below 0.00001.
gnomAD v4.1: 5 of 1,614,074 alleles (0.00031%); highest among the groups gnomAD compares: Non-Finnish European, 0.00042%; no homozygotes.

Submissions (5):

Labcorp Genetics (formerly Invitae), Labcorp
Classification: Uncertain significance for Fanconi anemia. Last evaluated: 2024-09-03. Review status: criteria provided, single submitter. Criteria: Invitae Variant Classification Sherloc (09022015). Collection method: clinical testing. Allele origin: germline.
Comment: This sequence change replaces lysine, which is basic and polar, with arginine, which is basic and polar, at codon 552 of the FANCC protein (p.Lys552Arg). This variant is present in population databases (no rsID available, gnomAD 0.0009%). This variant has not been reported in the literature in individuals affected with FANCC-related conditions. ClinVar contains an entry for this variant (Variation ID: 937123). Invitae Evidence Modeling of protein sequence and biophysical properties (such as structural, functional, and spatial information, amino acid conservation, physicochemical variation, residue mobility, and thermodynamic stability) indicates that this missense variant is not expected to disrupt FANCC protein function with a negative predictive value of 80%. In summary, the available evidence is currently insufficient to determine the role of this variant in disease. Therefore, it has been classified as a Variant of Uncertain Significance.

Ambry Genetics
Classification: Likely benign for Hereditary cancer-predisposing syndrome. Last evaluated: 2024-03-25. Review status: criteria provided, single submitter. Criteria: Ambry Variant Classification Scheme 2023. Collection method: clinical testing. Allele origin: germline.

GeneDx
Classification: Uncertain significance. Last evaluated: 2021-10-15. Review status: criteria provided, single submitter. Criteria: GeneDx Variant Classification Process June 2021. Collection method: clinical testing. Allele origin: germline. Affected: yes.
Comment: Not observed at significant frequency in large population cohorts (Lek 2016); In silico analysis supports that this missense variant does not alter protein structure/function; Has not been previously published as pathogenic or benign to our knowledge

Genetic Services Laboratory, University of Chicago
Classification: Uncertain significance. Last evaluated: 2018-11-21. Review status: criteria provided, single submitter. Criteria: ACMG Guidelines, 2015. Collection method: clinical testing. Allele origin: germline. Affected: no.

Natera, Inc.
Classification: Uncertain significance for Fanconi anemia. Last evaluated: 2020-02-26. Review status: no assertion criteria provided. Collection method: clinical testing. Allele origin: germline. Not counted in ClinVar's aggregate classification.

NM_000136.3(FANCC):c.1655A>G (p.Lys552Arg)

Genes: AOPEP (aminopeptidase O (putative); plus strand), FANCC (FA complementation group C; minus strand). Cytogenetic location: 9q22.32.
Variant type: single nucleotide variant.
Coding change: c.1655A>G on transcript NM_000136.3 (MANE Select); coding-DNA position 1655, A replaced by G.
Protein change: p.Lys552Arg; replaces lysine 552 with arginine.
Molecular consequence: missense variant.
Genome position (GRCh38, 1-based): chr9:95,101,729, T>C on the plus strand (A>G on the coding strand, the complement: FANCC is on the minus strand). VCF-style: chr9-95101729-T-C. GRCh37 (hg19) VCF-style: chr9-97864011-T-C.
Other names: c.1655A>G, p.Lys552Arg (NM_001243743.2); short protein forms K552R.
Identifiers: ClinVar variation 937123 (VCV000937123.16), dbSNP rs1197938479, ClinGen allele CA374104260.